The following is an entry in ClinVar:

NM_005857.5(ZMPSTE24):c.910A>C (p.Asn304His)

Gene: ZMPSTE24 (zinc metallopeptidase STE24; plus strand). Cytogenetic location: 1p34.2.
Variant type: single nucleotide variant.
Coding change: c.910A>C on transcript NM_005857.5 (MANE Select); coding-DNA position 910, A replaced by C.
Protein change: p.Asn304His; replaces asparagine 304 with histidine.
Molecular consequence: missense variant.
Genome position (GRCh38, 1-based): chr1:40,281,483, A>C. VCF-style: chr1-40281483-A-C. GRCh37 (hg19) VCF-style: chr1-40747155-A-C.
Other names: p.Asn304His; short protein forms N304H.
Identifiers: ClinVar variation 3379582 (VCV003379582.2).

ClinVar aggregate classification (germline): Uncertain significance. Review status: criteria provided, multiple submitters, no conflicts (2 of 4 stars). 2 submissions from 2 submitters: Uncertain significance (2). Last evaluated 2025-08-09.

Conditions:
Inborn genetic diseases. Identifiers: MedGen C0950123, MeSH D030342.

gnomAD v4.1: 38 of 1,614,014 alleles (0.0024%); highest among the groups gnomAD compares: Non-Finnish European, 0.0031%; no homozygotes.

Submissions (2):

Ambry Genetics
Classification: Uncertain significance for Inborn genetic diseases. Last evaluated: 2025-08-09. Review status: criteria provided, single submitter. Criteria: Ambry Variant Classification Scheme 2023. Collection method: clinical testing. Allele origin: germline.

Mayo Clinic Laboratories, Mayo Clinic
Classification: Uncertain significance. Last evaluated: 2023-08-07. Review status: criteria provided, single submitter. Criteria: ACMG Guidelines, 2015. Collection method: clinical testing. Allele origin: germline. Observed: 1 variant allele.
Comment: BP4